The following is an entry in ClinVar:

NM_001197104.2(KMT2A):c.10564C>T (p.Pro3522Ser)

Gene: KMT2A (lysine methyltransferase 2A; plus strand). Cytogenetic location: 11q23.3.
Variant type: single nucleotide variant.
Coding change: c.10564C>T on transcript NM_001197104.2 (MANE Select); coding-DNA position 10564, C replaced by T.
Protein change: p.Pro3522Ser; replaces proline 3522 with serine.
Molecular consequence: missense variant.
Genome position (GRCh38, 1-based): chr11:118,506,456, C>T. VCF-style: chr11-118506456-C-T. GRCh37 (hg19) VCF-style: chr11-118377171-C-T.
Other names: c.10654C>T, p.Pro3552Ser (NM_001412597.1); c.10555C>T, p.Pro3519Ser (NM_005933.4); short protein forms P3519S, P3522S, P3552S.
Identifiers: ClinVar variation 3032464 (VCV003032464.2), dbSNP rs1591286999, ClinGen allele CA382826200.
Genomic context (GRCh38, chr11:118,506,456, plus strand): 5'-AAGGCTTTATCCTCAGCTGTGCAAGCCAGCCCCACCTCTCCTGGGGGTTCTCCATCCTCT[C>T]CATCTTCTGGACAGCGGTCAGCAAGCCCTTCAGTGCCGGGTCCCACTAAACCCAAACCAA-3'
Protein context (NP_001184033.1, residues 3512-3532): PTSPGGSPSS[Pro3522Ser]SSGQRSASPS

ClinVar aggregate classification (germline): Uncertain significance (0 of 4 stars; one submission).

Conditions:
KMT2A-related disorder. Also called: KMT2A-related condition.

Submission:

PreventionGenetics, part of Exact Sciences
Classification: Uncertain significance for KMT2A-related condition. Last evaluated: 2024-01-11. Review status: no assertion criteria provided. Collection method: clinical testing. Allele origin: germline.
Comment: The KMT2A c.10564C>T variant is predicted to result in the amino acid substitution p.Pro3522Ser. To our knowledge, this variant has not been reported in the literature or in a large population database, indicating this variant is rare. At this time, the clinical significance of this variant is uncertain due to the absence of conclusive functional and genetic evidence.